The following is an entry in ClinVar:

NM_005465.7(AKT3):c.542A>C (p.Lys181Thr)

Gene: AKT3 (AKT serine/threonine kinase 3; minus strand). Cytogenetic location: 1q44.
Variant type: single nucleotide variant.
Coding change: c.542A>C on transcript NM_005465.7 (MANE Select); coding-DNA position 542, A replaced by C.
Protein change: p.Lys181Thr; replaces lysine 181 with threonine.
Molecular consequence: missense variant.
Genome position (GRCh38, 1-based): chr1:243,637,630, T>G on the plus strand (A>C on the coding strand, the complement: AKT3 is on the minus strand). VCF-style: chr1-243637630-T-G. GRCh37 (hg19) VCF-style: chr1-243800932-T-G.
Other names: c.542A>C, p.Lys181Thr (NM_001370074.1, NM_181690.2, NM_001206729.2); short protein forms K181T.
Identifiers: ClinVar variation 2640215 (VCV002640215.24), dbSNP rs2528154032, ClinGen allele CA345669684.

ClinVar aggregate classification (germline): Uncertain significance (1 of 4 stars; one submission).

Submission:

CeGaT Center for Human Genetics Tuebingen
Classification: Uncertain significance. Last evaluated: 2022-11-01. Review status: criteria provided, single submitter. Criteria: CeGaT Center For Human Genetics Tuebingen Variant Classification Criteria Version 2. Collection method: clinical testing. Allele origin: germline. Affected: yes. Observed: 1 variant allele.
Comment: AKT3: PM2, PP2, PP3